The following is an entry in ClinVar:

NM_001987.5(ETV6):c.68C>G (p.Pro23Arg)

Gene: ETV6 (ETS variant transcription factor 6; plus strand). Cytogenetic location: 12p13.2.
Variant type: single nucleotide variant.
Coding change: c.68C>G on transcript NM_001987.5 (MANE Select); coding-DNA position 68, C replaced by G.
Protein change: p.Pro23Arg; replaces proline 23 with arginine.
Molecular consequence: missense variant. On other transcripts: intron variant (1).
Genome position (GRCh38, 1-based): chr12:11,752,484, C>G. VCF-style: chr12-11752484-C-G. GRCh37 (hg19) VCF-style: chr12-11905418-C-G.
Other names: c.65C>G, p.Pro22Arg (NM_001413913.1); c.41C>G, p.Pro14Arg (NM_001413914.1); c.68C>G, p.Pro23Arg (NM_001413916.1, NM_001413917.1, NM_001413918.1); c.-101-86656C>G (NM_001413915.1); short protein forms P14R, P22R, P23R.
Identifiers: ClinVar variation 4824062 (VCV004824062.1).

ClinVar aggregate classification (germline): Uncertain significance (1 of 4 stars; one submission).

Conditions:
Inborn genetic diseases. Identifiers: MedGen C0950123, MeSH D030342.

Submission:

Ambry Genetics
Classification: Uncertain significance for Inborn genetic diseases. Last evaluated: 2026-01-30. Review status: criteria provided, single submitter. Criteria: Ambry Variant Classification Scheme 2023. Collection method: clinical testing. Allele origin: germline.
Comment: The p.P23R variant (also known as c.68C>G), located in coding exon 2 of the ETV6 gene, results from a C to G substitution at nucleotide position 68. The proline at codon 23 is replaced by arginine, an amino acid with dissimilar properties. This amino acid position is highly conserved in available vertebrate species. In addition, this alteration is predicted to be tolerated by in silico analysis. Based on the available evidence, the clinical significance of this variant remains unclear.